The following is an entry in ClinVar:

NM_138576.4(BCL11B):c.301T>A (p.Ser101Thr)

Gene: BCL11B (BCL11 transcription factor B; minus strand). Cytogenetic location: 14q32.2.
Variant type: single nucleotide variant.
Coding change: c.301T>A on transcript NM_138576.4 (MANE Select); coding-DNA position 301, T replaced by A.
Protein change: p.Ser101Thr; replaces serine 101 with threonine.
Molecular consequence: missense variant.
Genome position (GRCh38, 1-based): chr14:99,257,597, A>T on the plus strand (T>A on the coding strand, the complement: BCL11B is on the minus strand). VCF-style: chr14-99257597-A-T. GRCh37 (hg19) VCF-style: chr14-99723934-A-T.
Other names: c.298T>A, p.Ser100Thr (NM_001282237.2, NM_001282238.2); c.301T>A, p.Ser101Thr (NM_022898.3); short protein forms S100T, S101T.
Identifiers: ClinVar variation 1804544 (VCV001804544.25), dbSNP rs1383379624, ClinGen allele CA390939028.

ClinVar aggregate classification (germline): Uncertain significance. Review status: criteria provided, multiple submitters, no conflicts (2 of 4 stars). 2 submissions from 2 submitters: Uncertain significance (2). Last evaluated 2023-08-01.

Submissions (2):

CeGaT Center for Human Genetics Tuebingen
Classification: Uncertain significance. Last evaluated: 2023-08-01. Review status: criteria provided, single submitter. Criteria: CeGaT Center For Human Genetics Tuebingen Variant Classification Criteria Version 2. Collection method: clinical testing. Allele origin: germline. Affected: yes. Observed: 1 variant allele.
Comment: BCL11B: PM2, BP4

GeneDx
Classification: Uncertain significance. Last evaluated: 2022-06-19. Review status: criteria provided, single submitter. Criteria: GeneDx Variant Classification Process June 2021. Collection method: clinical testing. Allele origin: germline. Affected: yes.
Comment: Not observed at significant frequency in large population cohorts (gnomAD); In silico analysis supports that this missense variant does not alter protein structure/function; Has not been previously published as pathogenic or benign to our knowledge